The following is an entry in ClinVar:

ClinVar aggregate classification (germline): Uncertain significance. Review status: criteria provided, multiple submitters, no conflicts (2 of 4 stars). 2 submissions from 2 submitters: Uncertain significance (2). Last evaluated 2023-02-09.

Conditions:
Inborn genetic diseases. Identifiers: MedGen C0950123, MeSH D030342.

Allele frequency attached by ClinVar (database versions not stated): gnomAD exomes below 0.00001.
gnomAD v4.1: 2 of 1,537,428 alleles (0.00013%); highest among the groups gnomAD compares: Non-Finnish European, 0.00017%; no homozygotes.

Submissions (2):

GeneDx
Classification: Uncertain significance. Last evaluated: 2023-02-09. Review status: criteria provided, single submitter. Criteria: GeneDx Variant Classification Process June 2021. Collection method: clinical testing. Allele origin: germline. Affected: yes.
Comment: Not observed at significant frequency in large population cohorts (gnomAD); In silico analysis supports that this missense variant has a deleterious effect on protein structure/function; Has not been previously published as pathogenic or benign to our knowledge

Ambry Genetics
Classification: Uncertain significance for Inborn genetic diseases. Last evaluated: 2022-10-04. Review status: criteria provided, single submitter. Criteria: Ambry Variant Classification Scheme 2023. Collection method: clinical testing. Allele origin: germline.

NM_001378183.1(PIEZO2):c.3838G>A (p.Ala1280Thr)

Gene: PIEZO2 (piezo type mechanosensitive ion channel component 2; minus strand). Cytogenetic location: 18p11.22.
Variant type: single nucleotide variant.
Coding change: c.3838G>A on transcript NM_001378183.1 (MANE Select); coding-DNA position 3838, G replaced by A.
Protein change: p.Ala1280Thr; replaces alanine 1280 with threonine.
Molecular consequence: missense variant.
Genome position (GRCh38, 1-based): chr18:10,758,054, C>T on the plus strand (G>A on the coding strand, the complement: PIEZO2 is on the minus strand). VCF-style: chr18-10758054-C-T. GRCh37 (hg19) VCF-style: chr18-10758052-C-T.
Other names: c.3838G>A, p.Ala1280Thr (NM_001410871.1); c.3763G>A, p.Ala1255Thr (NM_022068.4); short protein forms A1255T, A1280T.
Identifiers: ClinVar variation 2316585 (VCV002316585.3), dbSNP rs2510637834, ClinGen allele CA401921137.